The following is an entry in ClinVar:

ClinVar aggregate classification (germline): Uncertain significance. Review status: criteria provided, single submitter (1 of 4 stars). 2 submissions from 2 submitters: Uncertain significance (1). 1 of the submissions does not count toward it. Last evaluated 2025-08-12.

Conditions:
IRS4-related disorder. Also called: IRS4-related condition.

gnomAD v4.1: 4 of 1,211,701 alleles (0.00033%); highest among the groups gnomAD compares: Non-Finnish European, 0.00045%; no homozygotes.

Submissions (2):

Ambry Genetics
Classification: Uncertain significance. Last evaluated: 2025-08-12. Review status: criteria provided, single submitter. Criteria: Ambry Variant Classification Scheme 2023. Collection method: clinical testing. Allele origin: germline.

PreventionGenetics, part of Exact Sciences
Classification: Uncertain significance for IRS4-related condition. Last evaluated: 2024-05-31. Review status: no assertion criteria provided. Collection method: clinical testing. Allele origin: germline. Not counted in ClinVar's aggregate classification.
Comment: The IRS4 c.2701A>G variant is predicted to result in the amino acid substitution p.Ile901Val. To our knowledge, this variant has not been reported in the literature or in a large population database, indicating this variant is rare. At this time, the clinical significance of this variant is uncertain due to the absence of conclusive functional and genetic evidence.

NM_001379150.1(IRS4):c.2701A>G (p.Ile901Val)

Gene: IRS4 (insulin receptor substrate 4; minus strand). Cytogenetic location: Xq22.3.
Variant type: single nucleotide variant.
Coding change: c.2701A>G on transcript NM_001379150.1 (MANE Select); coding-DNA position 2701, A replaced by G.
Protein change: p.Ile901Val; replaces isoleucine 901 with valine.
Molecular consequence: missense variant.
Genome position (GRCh38, 1-based): chrX:108,733,644, T>C on the plus strand (A>G on the coding strand, the complement: IRS4 is on the minus strand). VCF-style: chrX-108733644-T-C. GRCh37 (hg19) VCF-style: chrX-107976874-T-C.
Other names: c.2701A>G, p.Ile901Val (NM_003604.2); short protein forms I901V.
Identifiers: ClinVar variation 3357930 (VCV003357930.2).
Genomic context (GRCh38, chrX:108,733,644, plus strand): 5'-AGTCACTAGAGCTGTCAGCTTCTCTCTGCTCATGTGTGGGCTTTTGTGGTTTTGGCTTGA[T>C]TTTATATCCTTTTGTAATAAAAGAAAGTCGGTTAGGTCTCTTAGCTTTATTCTTTGGGGG-3'
Protein context (NP_001366079.1, residues 891-911): RLSFITKGYK[Ile901Val]KPKPQKPTHE